The following is an entry in ClinVar:

ClinVar aggregate classification (germline): Pathogenic/Likely pathogenic. Review status: criteria provided, multiple submitters, no conflicts (2 of 4 stars). 3 submissions from 3 submitters: Pathogenic (1); Likely pathogenic (2). Last evaluated 2024-04-26.

Conditions:
Congenital hyperammonemia, type I. Also called: CPS I DEFICIENCY; Carbamoyl phosphate synthetase 1 deficiency; Hyperammonemia due to carbamoyl phosphate synthetase 1 deficiency; CPS 1 deficiency; Carbamyl phosphate synthetase (CPS) deficiency; Carbamoyl phosphate synthetase I deficiency disease. Identifiers: Orphanet 147, MedGen C4082171, MONDO:0009376, OMIM 237300.
Pulmonary hypertension, neonatal, susceptibility to (PHN). Identifiers: MedGen C3714958, MONDO:0014151, OMIM 615371.

Allele frequency attached by ClinVar (database versions not stated): gnomAD exomes below 0.00001; TOPMed 0.00001.
gnomAD v4.1: 4 of 1,612,480 alleles (0.00025%); highest among the groups gnomAD compares: Non-Finnish European, 0.00034%; no homozygotes.

Submissions (3):

Fulgent Genetics
Classification: Pathogenic for Congenital hyperammonemia, type I; Pulmonary hypertension, neonatal, susceptibility to. Last evaluated: 2024-04-26. Review status: criteria provided, single submitter. Criteria: ACMG Guidelines, 2015. Collection method: clinical testing. Allele origin: germline.

Women's Health and Genetics/Laboratory Corporation of America, LabCorp
Classification: Likely pathogenic for Congenital hyperammonemia, type I. Last evaluated: 2024-04-18. Review status: criteria provided, single submitter. Criteria: LabCorp Variant Classification Summary - May 2015. Collection method: clinical testing. Allele origin: germline.
Comment: Variant summary: CPS1 c.1759C>T (p.Arg587Cys) results in a non-conservative amino acid change located in the Carbamoyl-phosphate synthase L chain, ATP binding domain (PF02786) of the encoded protein sequence. Five of five in-silico tools predict a damaging effect of the variant on protein function. The variant was absent in 250578 control chromosomes. c.1759C>T has been reported in the literature in individuals affected with urea cycle disorder, including one homozygote (example: Makris_2021). These data indicate that the variant is likely to be associated with disease. A different variant affecting the same codon has been classified as pathogenic by our lab (c.1760G>A, p.Arg587His), supporting the critical relevance of codon 587 to CPS1 protein function. To our knowledge, no experimental evidence demonstrating an impact on protein function has been reported. The following publication has been ascertained in the context of this evaluation (PMID: 33309754). ClinVar contains an entry for this variant (Variation ID: 2734366). Based on the evidence outlined above, the variant was classified as likely pathogenic.

Labcorp Genetics (formerly Invitae), Labcorp
Classification: Likely pathogenic for Congenital hyperammonemia, type I. Last evaluated: 2024-03-18. Review status: criteria provided, single submitter. Criteria: Invitae Variant Classification Sherloc (09022015). Collection method: clinical testing. Allele origin: germline.
Comment: This sequence change replaces arginine, which is basic and polar, with cysteine, which is neutral and slightly polar, at codon 587 of the CPS1 protein (p.Arg587Cys). This variant is not present in population databases (gnomAD no frequency). This missense change has been observed in individual(s) with clinical features of CPS1-related conditions (PMID: 21120950, 33309754). Advanced modeling of protein sequence and biophysical properties (such as structural, functional, and spatial information, amino acid conservation, physicochemical variation, residue mobility, and thermodynamic stability) performed at Invitae indicates that this missense variant is expected to disrupt CPS1 protein function with a positive predictive value of 95%. This variant disrupts the p.Arg587 amino acid residue in CPS1. Other variant(s) that disrupt this residue have been determined to be pathogenic (PMID: 9686343, 20855223, 27150549, 31749211). This suggests that this residue is clinically significant, and that variants that disrupt this residue are likely to be disease-causing. In summary, the currently available evidence indicates that the variant is pathogenic, but additional data are needed to prove that conclusively. Therefore, this variant has been classified as Likely Pathogenic.

Literature cited by the submitters: PubMed 33309754 (cited by Women's Health and Genetics/Laboratory Corporation of America, LabCorp and Labcorp Genetics (formerly Invitae), Labcorp); PubMed 21120950 (cited by Labcorp Genetics (formerly Invitae), Labcorp); PubMed 9686343 (cited by Labcorp Genetics (formerly Invitae), Labcorp); PubMed 20855223 (cited by Labcorp Genetics (formerly Invitae), Labcorp); PubMed 27150549 (cited by Labcorp Genetics (formerly Invitae), Labcorp); PubMed 31749211 (cited by Labcorp Genetics (formerly Invitae), Labcorp).

NM_001875.5(CPS1):c.1759C>T (p.Arg587Cys)

Gene: CPS1 (carbamoyl-phosphate synthase 1; plus strand). Cytogenetic location: 2q34.
Variant type: single nucleotide variant.
Coding change: c.1759C>T on transcript NM_001875.5 (MANE Select); coding-DNA position 1759, C replaced by T.
Protein change: p.Arg587Cys; replaces arginine 587 with cysteine.
Molecular consequence: missense variant. On other transcripts: non-coding transcript variant (2).
Genome position (GRCh38, 1-based): chr2:210,602,253, C>T. VCF-style: chr2-210602253-C-T. GRCh37 (hg19) VCF-style: chr2-211466977-C-T.
Other names: c.1759C>T, p.Arg587Cys (NM_001122633.3, NM_001369257.1); c.1792C>T, p.Arg598Cys (NM_001369256.1); short protein forms R598C, R587C.
Identifiers: ClinVar variation 2734366 (VCV002734366.5), dbSNP rs1242028775, ClinGen allele CA350437440.